The following is an entry in ClinVar:

NM_013262.4(MYLIP):c.1072A>G (p.Met358Val)

Gene: MYLIP (myosin regulatory light chain interacting protein; plus strand). Cytogenetic location: 6p22.3.
Variant type: single nucleotide variant.
Coding change: c.1072A>G on transcript NM_013262.4 (MANE Select); coding-DNA position 1072, A replaced by G.
Protein change: p.Met358Val; replaces methionine 358 with valine.
Molecular consequence: missense variant.
Genome position (GRCh38, 1-based): chr6:16,145,141, A>G. VCF-style: chr6-16145141-A-G. GRCh37 (hg19) VCF-style: chr6-16145372-A-G.
Other names: short protein forms M358V.
Identifiers: ClinVar variation 1999650 (VCV001999650.4), dbSNP rs749830853, ClinGen allele CA3644634.

ClinVar aggregate classification (germline): Uncertain significance (1 of 4 stars; one submission).

Allele frequency attached by ClinVar (database versions not stated): ExAC 0.00001.
gnomAD v4.1: 1 of 1,614,200 alleles (0.000062%); highest among the groups gnomAD compares: Non-Finnish European, 0.000085%; no homozygotes.

Submission:

Labcorp Genetics (formerly Invitae), Labcorp
Classification: Uncertain significance. Last evaluated: 2022-01-26. Review status: criteria provided, single submitter. Criteria: Invitae Variant Classification Sherloc (09022015). Collection method: clinical testing. Allele origin: germline.
Comment: In summary, the available evidence is currently insufficient to determine the role of this variant in disease. Therefore, it has been classified as a Variant of Uncertain Significance. Algorithms developed to predict the effect of missense changes on protein structure and function output the following: SIFT: "Tolerated"; PolyPhen-2: "Benign"; Align-GVGD: "Class C0". The valine amino acid residue is found in multiple mammalian species, which suggests that this missense change does not adversely affect protein function. This variant has not been reported in the literature in individuals affected with MYLIP-related conditions. This variant is present in population databases (rs749830853, gnomAD 0.0009%). This sequence change replaces methionine, which is neutral and non-polar, with valine, which is neutral and non-polar, at codon 358 of the MYLIP protein (p.Met358Val).